The following is an entry in ClinVar:

ClinVar aggregate classification (germline): Uncertain significance (1 of 4 stars; one submission).

Conditions:
Neuronopathy, distal hereditary motor, autosomal recessive 4. Also called: NEUROPATHY, DISTAL HEREDITARY MOTOR, AUTOSOMAL RECESSIVE 4; Autosomal recessive lower motor neuron disease with childhood onset. Identifiers: Orphanet 206580, MedGen C1970211, MONDO:0012608, OMIM 611067.
Charcot-Marie-Tooth disease recessive intermediate C. Also called: CHARCOT-MARIE-TOOTH NEUROPATHY, RECESSIVE INTERMEDIATE C. Identifiers: Orphanet 369867, MedGen C3809309, MONDO:0014154, OMIM 615376.

Allele frequency attached by ClinVar (database versions not stated): gnomAD exomes below 0.00001; gnomAD 0.00001 and 0.00003; TOPMed 0.00003.
gnomAD v4.1: 33 of 1,613,232 alleles (0.002%); highest among the groups gnomAD compares: Middle Eastern, 0.016%; no homozygotes.

Submission:

Labcorp Genetics (formerly Invitae), Labcorp
Classification: Uncertain significance for Neuronopathy, distal hereditary motor, autosomal recessive 4; Charcot-Marie-Tooth disease recessive intermediate C. Last evaluated: 2021-12-18. Review status: criteria provided, single submitter. Criteria: Invitae Variant Classification Sherloc (09022015). Collection method: clinical testing. Allele origin: germline.
Comment: This sequence change replaces arginine, which is basic and polar, with glutamine, which is neutral and polar, at codon 52 of the PLEKHG5 protein (p.Arg52Gln). This variant is present in population databases (no rsID available, gnomAD 0.01%). This variant has not been reported in the literature in individuals affected with PLEKHG5-related conditions. ClinVar contains an entry for this variant (Variation ID: 1003864). Algorithms developed to predict the effect of missense changes on protein structure and function (SIFT, PolyPhen-2, Align-GVGD) all suggest that this variant is likely to be tolerated. In summary, the available evidence is currently insufficient to determine the role of this variant in disease. Therefore, it has been classified as a Variant of Uncertain Significance.

NM_020631.6(PLEKHG5):c.155G>A (p.Arg52Gln)

Gene: PLEKHG5 (pleckstrin homology and RhoGEF domain containing G5; minus strand). Cytogenetic location: 1p36.31.
Variant type: single nucleotide variant.
Coding change: c.155G>A on transcript NM_020631.6 (MANE Select); coding-DNA position 155, G replaced by A.
Protein change: p.Arg52Gln; replaces arginine 52 with glutamine.
Molecular consequence: missense variant.
Genome position (GRCh38, 1-based): chr1:6,475,517, C>T on the plus strand (G>A on the coding strand, the complement: PLEKHG5 is on the minus strand). VCF-style: chr1-6475517-C-T. GRCh37 (hg19) VCF-style: chr1-6535577-C-T.
Other names: c.266G>A, p.Arg89Gln (NM_001042663.3, NM_001265592.2); c.155G>A, p.Arg52Gln (NM_001042664.2, NM_001042665.2, NM_001265594.3 and 1 more transcripts); c.362G>A, p.Arg121Gln (NM_001265593.2); short protein forms R121Q, R52Q, R89Q.
Identifiers: ClinVar variation 1003864 (VCV001003864.6), dbSNP rs1022969911, ClinGen allele CA17244736.
Genomic context (GRCh38, chr1:6,475,517, plus strand): 5'-CTCACATCCGTGTGTCTCCTCCTTGCTTTCTTCTTGGAGAGTTTCAGGCCTGTGCTCTTC[C>T]GGTCCCTGCAGGGAAGCGAGGAGGGCAGAGGCTGGAGGTGTGGGTGGCCCTCGCCAGCGT-3'
Protein context (NP_065682.2, residues 42-62): EESSVDGKGD[Arg52Gln]KSTGLKLSKK